The following is an entry in ClinVar:

ClinVar aggregate classification (germline): Uncertain significance (1 of 4 stars; one submission).

Submission:

GeneDx
Classification: Uncertain significance. Last evaluated: 2024-07-10. Review status: criteria provided, single submitter. Criteria: GeneDx Variant Classification Process June 2021. Collection method: clinical testing. Allele origin: germline. Affected: yes.
Comment: Not observed at significant frequency in large population cohorts (gnomAD); In silico analysis indicates that this missense variant does not alter protein structure/function; Has not been previously published as pathogenic or benign to our knowledge

NM_018834.6(MATR3):c.1921G>A (p.Asp641Asn)

Genes: MATR3 (matrin 3; plus strand), LOC126807526 (CDK7 strongly-dependent group 2 enhancer GRCh37_chr5:138657767-138658966; plus strand). Cytogenetic location: 5q31.2.
Variant type: single nucleotide variant.
Coding change: c.1921G>A on transcript NM_018834.6 (MANE Select); coding-DNA position 1921, G replaced by A.
Protein change: p.Asp641Asn; replaces aspartic acid 641 with asparagine.
Molecular consequence: missense variant.
Genome position (GRCh38, 1-based): chr5:139,322,740, G>A. VCF-style: chr5-139322740-G-A. GRCh37 (hg19) VCF-style: chr5-138658429-G-A.
Other names: c.1921G>A, p.Asp641Asn (NM_001194954.2, NM_001194955.2, NM_001400441.1 and 16 more transcripts); c.1057G>A, p.Asp353Asn (NM_001194956.2); c.907G>A, p.Asp303Asn (NM_001282278.2, NM_001400460.1, NM_001400462.1 and 5 more transcripts); c.1060G>A, p.Asp354Asn (NM_001400459.1); c.1021G>A, p.Asp341Asn (NM_001400461.1); short protein forms D303N, D354N, D641N, D341N, D353N.
Identifiers: ClinVar variation 3572818 (VCV003572818.1).